The following is an entry in ClinVar:

ClinVar aggregate classification (germline): Uncertain significance (1 of 4 stars; one submission).

Conditions:
Progressive myoclonic epilepsy type 7. Identifiers: Orphanet 435438, MedGen C4015420, MONDO:0014521, OMIM 616187.

Allele frequency attached by ClinVar (database versions not stated): gnomAD exomes 0.00002 and 0.00001.
gnomAD v4.1: 32 of 1,551,568 alleles (0.0021%); highest among the groups gnomAD compares: Non-Finnish European, 0.0026%; no homozygotes.

Submission:

Labcorp Genetics (formerly Invitae), Labcorp
Classification: Uncertain significance for Progressive myoclonic epilepsy type 7. Last evaluated: 2022-09-02. Review status: criteria provided, single submitter. Criteria: Invitae Variant Classification Sherloc (09022015). Collection method: clinical testing. Allele origin: germline.
Comment: In summary, the available evidence is currently insufficient to determine the role of this variant in disease. Therefore, it has been classified as a Variant of Uncertain Significance. Advanced modeling of protein sequence and biophysical properties (such as structural, functional, and spatial information, amino acid conservation, physicochemical variation, residue mobility, and thermodynamic stability) performed at Invitae indicates that this missense variant is not expected to disrupt KCNC1 protein function. ClinVar contains an entry for this variant (Variation ID: 542105). This variant has not been reported in the literature in individuals affected with KCNC1-related conditions. This variant is present in population databases (rs775725087, gnomAD 0.002%). This sequence change replaces tyrosine, which is neutral and polar, with histidine, which is basic and polar, at codon 543 of the KCNC1 protein (p.Tyr543His).

NM_001112741.2(KCNC1):c.1627T>C (p.Tyr543His)

Gene: KCNC1 (potassium voltage-gated channel subfamily C member 1; plus strand). Cytogenetic location: 11p15.1.
Variant type: single nucleotide variant.
Coding change: c.1627T>C on transcript NM_001112741.2 (MANE Select); coding-DNA position 1627, T replaced by C.
Protein change: p.Tyr543His; replaces tyrosine 543 with histidine.
Molecular consequence: missense variant.
Genome position (GRCh38, 1-based): chr11:17,779,578, T>C. VCF-style: chr11-17779578-T-C. GRCh37 (hg19) VCF-style: chr11-17801125-T-C.
Other names: short protein forms Y543H.
Identifiers: ClinVar variation 542105 (VCV000542105.9), dbSNP rs775725087, ClinGen allele CA218475335.